The following is an entry in ClinVar:

ClinVar aggregate classification (germline): Uncertain significance. Review status: criteria provided, multiple submitters, no conflicts (2 of 4 stars). 2 submissions from 2 submitters: Uncertain significance (2). Last evaluated 2025-06-23.

Conditions:
Inborn genetic diseases. Identifiers: MedGen C0950123, MeSH D030342.
Brachyolmia-amelogenesis imperfecta syndrome. Also called: Tooth agenesis, selective, 6; Dental anomalies and short stature; PLATYSPONDYLY WITH AMELOGENESIS IMPERFECTA. Identifiers: Orphanet 2899, MedGen C1832594, MONDO:0011018, OMIM 601216. Disease mechanism: loss of function.

Allele frequency attached by ClinVar (database versions not stated): gnomAD exomes below 0.00001 and 0.00001.
gnomAD v4.1: 2 of 1,560,214 alleles (0.00013%); no homozygotes.

Submissions (2):

Ambry Genetics
Classification: Uncertain significance for Inborn genetic diseases. Last evaluated: 2025-06-23. Review status: criteria provided, single submitter. Criteria: Ambry Variant Classification Scheme 2023. Collection method: clinical testing. Allele origin: germline.

Labcorp Genetics (formerly Invitae), Labcorp
Classification: Uncertain significance for Brachyolmia-amelogenesis imperfecta syndrome. Last evaluated: 2025-03-20. Review status: criteria provided, single submitter. Criteria: Invitae Variant Classification Sherloc (09022015). Collection method: clinical testing. Allele origin: germline.
Comment: This sequence change replaces alanine, which is neutral and non-polar, with proline, which is neutral and non-polar, at codon 238 of the LTBP3 protein (p.Ala238Pro). This variant is present in population databases (no rsID available, gnomAD 0.01%). This variant has not been reported in the literature in individuals affected with LTBP3-related conditions. ClinVar contains an entry for this variant (Variation ID: 1519324). An algorithm developed to predict the effect of missense changes on protein structure and function (PolyPhen-2) suggests that this variant is likely to be disruptive. Algorithms developed to predict the effect of sequence changes on RNA splicing suggest that this variant may create or strengthen a splice site. In summary, the available evidence is currently insufficient to determine the role of this variant in disease. Therefore, it has been classified as a Variant of Uncertain Significance.

NM_001130144.3(LTBP3):c.712G>C (p.Ala238Pro)

Gene: LTBP3 (latent transforming growth factor beta binding protein 3; minus strand). Cytogenetic location: 11q13.1.
Variant type: single nucleotide variant.
Coding change: c.712G>C on transcript NM_001130144.3 (MANE Select); coding-DNA position 712, G replaced by C.
Protein change: p.Ala238Pro; replaces alanine 238 with proline.
Molecular consequence: missense variant.
Genome position (GRCh38, 1-based): chr11:65,553,853, C>G on the plus strand (G>C on the coding strand, the complement: LTBP3 is on the minus strand). VCF-style: chr11-65553853-C-G. GRCh37 (hg19) VCF-style: chr11-65321324-C-G.
Other names: c.361G>C, p.Ala121Pro (NM_001164266.1); c.712G>C, p.Ala238Pro (NM_021070.4); c.712G>C (NM_001130144.2); short protein forms A121P, A238P.
Identifiers: ClinVar variation 1519324 (VCV001519324.7), dbSNP rs1241393064, ClinGen allele CA381275981.